The following is an entry in ClinVar:

ClinVar aggregate classification (germline): Benign (1 of 4 stars; one submission).

Allele frequency attached by ClinVar (database versions not stated): TOPMed 0.26073; gnomAD 0.26552 and 0.27589; 1000 Genomes Project 30x 0.34806; 1000 Genomes Project 0.35803.
gnomAD v4.1: 41,830 of 152,002 alleles (28%); highest among the groups gnomAD compares: South Asian, 51%; 6,201 homozygotes.

Submission:

GeneDx
Classification: Benign. Last evaluated: 2018-06-19. Review status: criteria provided, single submitter. Criteria: GeneDx Variant Classification (06012015). Collection method: clinical testing. Allele origin: germline. Affected: yes.
Comment: This variant is considered likely benign or benign based on one or more of the following criteria: it is a conservative change, it occurs at a poorly conserved position in the protein, it is predicted to be benign by multiple in silico algorithms, and/or has population frequency not consistent with disease.

NM_144670.6(A2ML1):c.63-173A>G

Genes: A2ML1 (alpha-2-macroglobulin like 1; plus strand), A2ML1-AS1 (A2ML1 antisense RNA 1; minus strand). Cytogenetic location: 12p13.31.
Variant type: single nucleotide variant.
Coding change: c.63-173A>G on transcript NM_144670.6 (MANE Select); 173 bases into the intron before coding-DNA position 63, A replaced by G.
Molecular consequence: intron variant.
Genome position (GRCh38, 1-based): chr12:8,823,009, A>G. VCF-style: chr12-8823009-A-G. GRCh37 (hg19) VCF-style: chr12-8975605-A-G.
Identifiers: ClinVar variation 561550 (VCV000561550.1), dbSNP rs7297690, ClinGen allele CA13681804.